The following is an entry in ClinVar:

ClinVar aggregate classification (germline): Conflicting classifications of pathogenicity. Review status: criteria provided, conflicting classifications (1 of 4 stars). 3 submissions from 3 submitters: Likely pathogenic (1); Uncertain significance (2). Last evaluated 2025-09-04.

Conditions:
GM1 gangliosidosis. Identifiers: Orphanet 354, MedGen C0085131, MONDO:0018149.
Mucopolysaccharidosis, MPS-IV-B (MPS4B). Also called: MORQUIO SYNDROME B; Mucopolysaccharidosis Type IVB; Mucopolysaccharidosis type IV B; Mucopolysaccharidosis Type IVB (Morquio B Disease); Mucopolysaccharidosis type 4B; Mucopolysaccharidosis type IVB (Morquio). Identifiers: Orphanet 309310, Orphanet 582, MedGen C0086652, MONDO:0009660, OMIM 253010.
Infantile GM1 gangliosidosis. Also called: Gangliosidosis, Generalized GM1, Type 1; GM1-gangliosidosis, type I; Gangliosidosis, generalized GM1, infantile form; GLB1 deficiency; GM1 gangliosidosis type 1. Identifiers: Orphanet 354, Orphanet 79255, MedGen C0268271, MONDO:0009260, OMIM 230500.

Allele frequency attached by ClinVar (database versions not stated): gnomAD below 0.00001 and 0.00001; gnomAD exomes below 0.00001.
gnomAD v4.1: 2 of 1,613,686 alleles (0.00012%); highest among the groups gnomAD compares: South Asian, 0.0022%; no homozygotes.

Submissions (3):

Women's Health and Genetics/Laboratory Corporation of America, LabCorp
Classification: Uncertain significance. Last evaluated: 2025-09-04. Review status: criteria provided, single submitter. Criteria: LabCorp Variant Classification Summary - May 2015. Collection method: clinical testing. Allele origin: germline.
Comment: Variant summary: GLB1 c.1479G>T (p.Lys493Asn) results in a non-conservative amino acid change in the encoded protein sequence. Algorithms developed to predict the effect of missense changes on protein structure and function all suggest that this variant is likely to be disruptive. Several computational tools predict a significant impact on normal splicing: Two predict the variant abolishes a canonical 5' splicing donor site and two predict the variant weakens this site. However, these predictions have yet to be confirmed by functional studies. The variant allele was found at a frequency of 4e-06 in 249570 control chromosomes (gnomAD). c.1479G>T has been observed in individuals affected with GM1 Gangliosidosis (Bidchol_2015, Su_2021). These data indicate that the variant may be associated with disease. To our knowledge, no experimental evidence demonstrating an impact on protein function has been reported. The following publications have been ascertained in the context of this evaluation (PMID: 25936995, 32506457). ClinVar contains an entry for this variant (Variation ID: 654251). Based on the evidence outlined above, the variant was classified as VUS-possibly pathogenic.

Neuberg Centre For Genomic Medicine, NCGM
Classification: Uncertain significance for Infantile GM1 gangliosidosis. Last evaluated: 2023-06-22. Review status: criteria provided, single submitter. Criteria: ACMG Guidelines, 2015. Collection method: clinical testing. Allele origin: germline. Inheritance: Autosomal recessive inheritance. Affected: yes.
Comment: The observed missense c.1479G>T(p.Lys493Asn) variant in gene has been reported previously in homozygous or compound heterozygous state in individual(s) affected with GM1 gangliosidosis (Mishra et al., 2021). This variant is reported with the allele frequency of 0.0004% in the gnomAD Exomes. This variant has been reported to the ClinVar database as Uncertain Significance. However, no details are available for independent assessment. The amino acid Lys at position 493 is changed to a Asn changing protein sequence and it might alter its composition and physico-chemical properties. The amino acid change p.Lys493Asn in GLB1 is predicted as conserved by GERP++ and PhyloP across 100 vertebrates. Multiple lines of computational evidence (Polyphen - Damaging, SIFT - Damaging, and MutationTaster - Disease causing) predict a damaging effect on protein structure and function for this variant. For these reasons, this variant has been classified as Uncertain Significance.

Labcorp Genetics (formerly Invitae), Labcorp
Classification: Likely pathogenic for Mucopolysaccharidosis, MPS-IV-B; GM1 gangliosidosis. Last evaluated: 2022-11-02. Review status: criteria provided, single submitter. Criteria: Invitae Variant Classification Sherloc (09022015). Collection method: clinical testing. Allele origin: germline.
Comment: Algorithms developed to predict the effect of missense changes on protein structure and function are either unavailable or do not agree on the potential impact of this missense change (SIFT: "Deleterious"; PolyPhen-2: "Probably Damaging"; Align-GVGD: "Class C0"). ClinVar contains an entry for this variant (Variation ID: 654251). This variant has been observed in individual(s) with GM1 gangliosidosis type II (PMID: 25936995). This variant is present in population databases (no rsID available, gnomAD 0.003%). This sequence change affects codon 493 of the GLB1 mRNA. It is a 'silent' change, meaning that it does not change the encoded amino acid sequence of the GLB1 protein. This variant also falls at the last nucleotide of exon 14, which is part of the consensus splice site for this exon. In summary, the currently available evidence indicates that the variant is pathogenic, but additional data are needed to prove that conclusively. Therefore, this variant has been classified as Likely Pathogenic. Variants that disrupt the consensus splice site are a relatively common cause of aberrant splicing (PMID: 17576681, 9536098). Algorithms developed to predict the effect of sequence changes on RNA splicing suggest that this variant may disrupt the consensus splice site.

Literature cited by the submitters: PubMed 25936995 (cited by Women's Health and Genetics/Laboratory Corporation of America, LabCorp and Labcorp Genetics (formerly Invitae), Labcorp); PubMed 32506457 (cited by Women's Health and Genetics/Laboratory Corporation of America, LabCorp); PubMed 17576681 (cited by Labcorp Genetics (formerly Invitae), Labcorp); PubMed 9536098 (cited by Labcorp Genetics (formerly Invitae), Labcorp).

NM_000404.4(GLB1):c.1479G>T (p.Lys493Asn)

Gene: GLB1 (galactosidase beta 1; minus strand). Cytogenetic location: 3p22.3.
Variant type: single nucleotide variant.
Coding change: c.1479G>T on transcript NM_000404.4 (MANE Select); coding-DNA position 1479, G replaced by T.
Protein change: p.Lys493Asn; replaces lysine 493 with asparagine.
Molecular consequence: missense variant.
Genome position (GRCh38, 1-based): chr3:33,016,709, C>A on the plus strand (G>T on the coding strand, the complement: GLB1 is on the minus strand). VCF-style: chr3-33016709-C-A. GRCh37 (hg19) VCF-style: chr3-33058201-C-A.
Other names: c.1389G>T, p.Lys463Asn (NM_001079811.3); c.1086G>T, p.Lys362Asn (NM_001135602.3); c.1623G>T, p.Lys541Asn (NM_001317040.2); c.1479G>T, p.Lys493Asn (NM_001393580.1); short protein forms K362N, K463N, K493N, K541N.
Identifiers: ClinVar variation 654251 (VCV000654251.9), dbSNP rs1172435886, ClinGen allele CA351988441.
Genomic context (GRCh38, chr3:33,016,709, plus strand): 5'-GCTTCAACTTCTAAGTTGTCACCCCTTAAACCTTAGTCTTGACAGTGTGGTTTGTCCTAC[C>A]TTAAAATCGTTGATATATGCACCATAGTTCACACGTCCCATGTTCTCTACCAGAAGGTCC-3'
Protein context (NP_000395.3, residues 483-503): VNYGAYINDF[Lys493Asn]GLVSNLTLSS